The following is an entry in ClinVar:

NM_015338.6(ASXL1):c.2307C>G (p.Thr769=)

Gene: ASXL1 (ASXL transcriptional regulator 1; plus strand). Cytogenetic location: 20q11.21.
Variant type: single nucleotide variant.
Coding change: c.2307C>G on transcript NM_015338.6 (MANE Select); coding-DNA position 2307, C replaced by G.
Protein change: p.Thr769=; no amino-acid change (threonine 769 retained).
Molecular consequence: synonymous variant.
Genome position (GRCh38, 1-based): chr20:32,435,019, C>G. VCF-style: chr20-32435019-C-G. GRCh37 (hg19) VCF-style: chr20-31022822-C-G.
Other names: c.2124C>G, p.Thr708= (NM_001363734.1).
Identifiers: ClinVar variation 2652253 (VCV002652253.24), dbSNP rs2145366116, ClinGen allele CA510466168.

ClinVar aggregate classification (germline): Likely benign (1 of 4 stars; one submission).

Submission:

CeGaT Center for Human Genetics Tuebingen
Classification: Likely benign. Last evaluated: 2023-04-01. Review status: criteria provided, single submitter. Criteria: CeGaT Center For Human Genetics Tuebingen Variant Classification Criteria Version 2. Collection method: clinical testing. Allele origin: germline. Affected: yes. Observed: 1 variant allele.
Comment: ASXL1: PM2:Supporting, BP4, BP7